The following is an entry in ClinVar:

ClinVar aggregate classification (germline): Uncertain significance. Review status: criteria provided, multiple submitters, no conflicts (2 of 4 stars). 4 submissions from 3 submitters: Uncertain significance (4). Last evaluated 2024-03-17.

Conditions:
Familial cutaneous telangiectasia and oropharyngeal predisposition cancer syndrome. Identifiers: Orphanet 313846, MedGen C3281203, MONDO:0013806, OMIM 614564.
Inborn genetic diseases. Identifiers: MedGen C0950123, MeSH D030342.
Seckel syndrome 1 (SCKL1). Also called: MICROCEPHALIC PRIMORDIAL DWARFISM I. Identifiers: Orphanet 808, MedGen C4551474, MONDO:0008869, OMIM 210600.

Allele frequency attached by ClinVar (database versions not stated): gnomAD exomes below 0.00001.

Submissions (4):

Ambry Genetics
Classification: Uncertain significance for Inborn genetic diseases. Last evaluated: 2024-03-17. Review status: criteria provided, single submitter. Criteria: Ambry Variant Classification Scheme 2023. Collection method: clinical testing. Allele origin: germline.
Comment: The p.M197T variant (also known as c.590T>C), located in coding exon 4 of the ATR gene, results from a T to C substitution at nucleotide position 590. The methionine at codon 197 is replaced by threonine, an amino acid with similar properties. This amino acid position is conserved. In addition, this alteration is predicted to be tolerated by in silico analysis. Since supporting evidence is limited at this time, the clinical significance of this alteration remains unclear.

Labcorp Genetics (formerly Invitae), Labcorp
Classification: Uncertain significance. Last evaluated: 2023-11-27. Review status: criteria provided, single submitter. Criteria: Invitae Variant Classification Sherloc (09022015). Collection method: clinical testing. Allele origin: germline.
Comment: This sequence change replaces methionine, which is neutral and non-polar, with threonine, which is neutral and polar, at codon 197 of the ATR protein (p.Met197Thr). This variant is not present in population databases (gnomAD no frequency). This variant has not been reported in the literature in individuals affected with ATR-related conditions. ClinVar contains an entry for this variant (Variation ID: 1482221). Algorithms developed to predict the effect of missense changes on protein structure and function output the following: SIFT: "Not Available"; PolyPhen-2: "Benign"; Align-GVGD: "Not Available". The threonine amino acid residue is found in multiple mammalian species, which suggests that this missense change does not adversely affect protein function. In summary, the available evidence is currently insufficient to determine the role of this variant in disease. Therefore, it has been classified as a Variant of Uncertain Significance.

Genome-Nilou Lab
Classification: Uncertain significance for Seckel syndrome 1. Last evaluated: 2023-02-08. Review status: criteria provided, single submitter. Criteria: ACMG Guidelines, 2015. Collection method: clinical testing. Allele origin: germline.

Genome-Nilou Lab
Classification: Uncertain significance for Familial cutaneous telangiectasia and oropharyngeal predisposition cancer syndrome. Last evaluated: 2023-02-08. Review status: criteria provided, single submitter. Criteria: ACMG Guidelines, 2015. Collection method: clinical testing. Allele origin: germline.

NM_001184.4(ATR):c.590T>C (p.Met197Thr)

Gene: ATR (ATR checkpoint kinase; minus strand). Cytogenetic location: 3q23.
Variant type: single nucleotide variant.
Coding change: c.590T>C on transcript NM_001184.4 (MANE Select); coding-DNA position 590, T replaced by C.
Protein change: p.Met197Thr; replaces methionine 197 with threonine.
Molecular consequence: missense variant.
Genome position (GRCh38, 1-based): chr3:142,562,812, A>G on the plus strand (T>C on the coding strand, the complement: ATR is on the minus strand). VCF-style: chr3-142562812-A-G. GRCh37 (hg19) VCF-style: chr3-142281654-A-G.
Other names: c.590T>C, p.Met197Thr (NM_001354579.2); short protein forms M197T.
Identifiers: ClinVar variation 1482221 (VCV001482221.8), dbSNP rs2108488175, ClinGen allele CA354826347.